The following is an entry in ClinVar:

NM_001365088.1(SLC12A6):c.1492+45C>T

Gene: SLC12A6 (solute carrier family 12 member 6; minus strand). Cytogenetic location: 15q14.
Variant type: single nucleotide variant.
Coding change: c.1492+45C>T on transcript NM_001365088.1 (MANE Select); 45 bases into the intron after coding-DNA position 1492, C replaced by T.
Molecular consequence: intron variant.
Genome position (GRCh38, 1-based): chr15:34,250,854, G>A on the plus strand (C>T on the coding strand, the complement: SLC12A6 is on the minus strand). VCF-style: chr15-34250854-G-A. GRCh37 (hg19) VCF-style: chr15-34543055-G-A.
Other names: c.1315+45C>T (NM_001042495.2, NM_001042494.2); c.1465+45C>T (NM_001042496.2); c.1447+45C>T (NM_001042497.2); c.1492+45C>T (NM_133647.2); c.1339+45C>T (NM_005135.2).
Identifiers: ClinVar variation 159888 (VCV000159888.10), dbSNP rs10851964, ClinGen allele CA173428.

ClinVar aggregate classification (germline): Benign. Review status: criteria provided, multiple submitters, no conflicts (2 of 4 stars). 4 submissions from 4 submitters: Benign (3). 1 of the submissions does not count toward it. Last evaluated 2021-07-10.

Conditions:
Agenesis of the corpus callosum with peripheral neuropathy (ACCPN). Also called: Hereditary Motor and Sensory Neuropathy with Agenesis of the Corpus Callosum; POLYNEUROPATHY, SENSORIMOTOR, WITH OR WITHOUT AGENESIS OF THE CORPUS CALLOSUM; HMSN/ACC; CHARLEVOIX DISEASE. Identifiers: Orphanet 1496, MedGen C0795950, MONDO:0000902, OMIM 218000. Disease mechanism: loss of function.

Allele frequency attached by ClinVar (database versions not stated): 1000 Genomes Project 0.57288; 1000 Genomes Project 30x 0.57339; ESP Exome Variant Server 0.59478; TOPMed 0.60100; gnomAD 0.60740 and 0.61029; ExAC 0.65118.
gnomAD v4.1: 1,027,345 of 1,541,474 alleles (67%); highest among the groups gnomAD compares: East Asian, 72%; 345,551 homozygotes.

Submissions (4):

Genome-Nilou Lab
Classification: Benign for Agenesis of the corpus callosum with peripheral neuropathy. Last evaluated: 2021-07-10. Review status: criteria provided, single submitter. Criteria: ACMG Guidelines, 2015. Collection method: clinical testing. Allele origin: germline. Affected: no.

GeneDx
Classification: Benign. Last evaluated: 2018-06-14. Review status: criteria provided, single submitter. Criteria: GeneDx Variant Classification (06012015). Collection method: clinical testing. Allele origin: germline. Affected: yes.
Comment: This variant is considered likely benign or benign based on one or more of the following criteria: it is a conservative change, it occurs at a poorly conserved position in the protein, it is predicted to be benign by multiple in silico algorithms, and/or has population frequency not consistent with disease.

Breakthrough Genomics
Classification: Benign. Review status: criteria provided, single submitter. Criteria: ACMG Guidelines, 2015. Collection method: not provided. Allele origin: germline. Inheritance: Autosomal recessive inheritance. Affected: yes.

Genetic Services Laboratory, University of Chicago
Classification: Likely benign. Review status: no assertion criteria provided. Collection method: clinical testing. Allele origin: germline. Inheritance: Autosomal recessive inheritance. Not counted in ClinVar's aggregate classification.
Comment: Likely benign based on allele frequency in 1000 Genomes Project or ESP global frequency and its presence in a patient with a rare or unrelated disease phenotype. NOT Sanger confirmed